The following is an entry in ClinVar:

ClinVar aggregate classification (germline): Uncertain significance (1 of 4 stars; one submission).

Conditions:
Hereditary cancer-predisposing syndrome. Also called: Hereditary Cancer Syndrome; Hereditary neoplastic syndrome; Neoplastic Syndromes, Hereditary; Tumor predisposition. Identifiers: Orphanet 140162, MedGen C0027672, MeSH D009386, MONDO:0015356.

gnomAD v4.1: 1 of 1,614,192 alleles (0.000062%); highest among the groups gnomAD compares: Non-Finnish European, 0.000085%; no homozygotes.

Submission:

Ambry Genetics
Classification: Uncertain significance for Hereditary cancer-predisposing syndrome. Last evaluated: 2024-04-22. Review status: criteria provided, single submitter. Criteria: Ambry Variant Classification Scheme 2023. Collection method: clinical testing. Allele origin: germline.
Comment: The p.S463F variant (also known as c.1388C>T), located in coding exon 10 of the PTCH1 gene, results from a C to T substitution at nucleotide position 1388. The serine at codon 463 is replaced by phenylalanine, an amino acid with highly dissimilar properties. This amino acid position is not well conserved in available vertebrate species. In addition, the in silico prediction for this alteration is inconclusive. Based on the available evidence, the clinical significance of this variant remains unclear.

NM_000264.5(PTCH1):c.1388C>T (p.Ser463Phe)

Gene: PTCH1 (patched 1; minus strand). Cytogenetic location: 9q22.32.
Variant type: single nucleotide variant.
Coding change: c.1388C>T on transcript NM_000264.5 (MANE Select); coding-DNA position 1388, C replaced by T.
Protein change: p.Ser463Phe; replaces serine 463 with phenylalanine.
Molecular consequence: missense variant. On other transcripts: non-coding transcript variant (1), intron variant (1).
Genome position (GRCh38, 1-based): chr9:95,477,662, G>A on the plus strand (C>T on the coding strand, the complement: PTCH1 is on the minus strand). VCF-style: chr9-95477662-G-A. GRCh37 (hg19) VCF-style: chr9-98239944-G-A.
Other names: c.1190C>T, p.Ser397Phe (NM_001083602.3); c.1385C>T, p.Ser462Phe (NM_001083603.3); c.935C>T, p.Ser312Phe (NM_001083604.3, NM_001083605.3, NM_001083606.3 and 1 more transcripts); c.1347+393C>T (NM_001354918.2); short protein forms S397F, S463F, S462F, S312F.
Identifiers: ClinVar variation 1771455 (VCV001771455.3), dbSNP rs764195249, ClinGen allele CA374118597.